The following is an entry in ClinVar:

NM_024649.5(BBS1):c.634G>A (p.Asp212Asn)

Gene: BBS1 (Bardet-Biedl syndrome 1; plus strand). Cytogenetic location: 11q13.2.
Variant type: single nucleotide variant.
Coding change: c.634G>A on transcript NM_024649.5 (MANE Select); coding-DNA position 634, G replaced by A.
Protein change: p.Asp212Asn; replaces aspartic acid 212 with asparagine.
Molecular consequence: missense variant.
Genome position (GRCh38, 1-based): chr11:66,519,659, G>A. VCF-style: chr11-66519659-G-A. GRCh37 (hg19) VCF-style: chr11-66287130-G-A.
Other names: c.634G>A (NM_024649.4); short protein forms D212N.
Identifiers: ClinVar variation 1058538 (VCV001058538.8), dbSNP rs2134780459, ClinGen allele CA381458727.

ClinVar aggregate classification (germline): Uncertain significance. Review status: criteria provided, multiple submitters, no conflicts (2 of 4 stars). 3 submissions from 3 submitters: Uncertain significance (2). 1 of the submissions does not count toward it. Last evaluated 2025-09-26.

Conditions:
Bardet-Biedl syndrome (BBS). Identifiers: Orphanet 110, MedGen C0752166, MONDO:0015229.
Inborn genetic diseases. Identifiers: MedGen C0950123, MeSH D030342.
Bardet-Biedl syndrome 1 (BBS1). Identifiers: MedGen C2936862, MONDO:0008854, OMIM 209900. Disease mechanism: loss of function.

Allele frequency attached by ClinVar (database versions not stated): gnomAD exomes below 0.00001.
gnomAD v4.1: 2 of 1,613,896 alleles (0.00012%); highest among the groups gnomAD compares: Non-Finnish European, 0.00017%; no homozygotes.

Submissions (3):

Ambry Genetics
Classification: Uncertain significance for Inborn genetic diseases. Last evaluated: 2025-09-26. Review status: criteria provided, single submitter. Criteria: Ambry Variant Classification Scheme 2023. Collection method: clinical testing. Allele origin: germline.

Labcorp Genetics (formerly Invitae), Labcorp
Classification: Uncertain significance for Bardet-Biedl syndrome. Last evaluated: 2022-02-10. Review status: criteria provided, single submitter. Criteria: Invitae Variant Classification Sherloc (09022015). Collection method: clinical testing. Allele origin: germline.
Comment: This sequence change replaces aspartic acid, which is acidic and polar, with asparagine, which is neutral and polar, at codon 212 of the BBS1 protein (p.Asp212Asn). This variant is not present in population databases (gnomAD no frequency). This variant has not been reported in the literature in individuals affected with BBS1-related conditions. ClinVar contains an entry for this variant (Variation ID: 1058538). Algorithms developed to predict the effect of missense changes on protein structure and function are either unavailable or do not agree on the potential impact of this missense change (SIFT: "Deleterious"; PolyPhen-2: "Possibly Damaging"; Align-GVGD: "Class C0"). In summary, the available evidence is currently insufficient to determine the role of this variant in disease. Therefore, it has been classified as a Variant of Uncertain Significance.

Natera, Inc.
Classification: Uncertain significance for Bardet-Biedl syndrome type 1. Last evaluated: 2021-10-12. Review status: no assertion criteria provided. Collection method: clinical testing. Allele origin: germline. Not counted in ClinVar's aggregate classification.